The following is an entry in ClinVar:

NM_000283.4(PDE6B):c.284T>C (p.Phe95Ser)

Gene: PDE6B (phosphodiesterase 6B; plus strand). Cytogenetic location: 4p16.3.
Variant type: single nucleotide variant.
Coding change: c.284T>C on transcript NM_000283.4 (MANE Select); coding-DNA position 284, T replaced by C.
Protein change: p.Phe95Ser; replaces phenylalanine 95 with serine.
Molecular consequence: missense variant.
Genome position (GRCh38, 1-based): chr4:625,910, T>C. VCF-style: chr4-625910-T-C. GRCh37 (hg19) VCF-style: chr4-619699-T-C.
Other names: c.284T>C, p.Phe95Ser (NM_001145291.2); short protein forms F95S.
Identifiers: ClinVar variation 860850 (VCV000860850.9), dbSNP rs1734071567, ClinGen allele CA355906671.

ClinVar aggregate classification (germline): Uncertain significance (1 of 4 stars; one submission).

Allele frequency attached by ClinVar (database versions not stated): TOPMed 0.00001.

Submission:

Labcorp Genetics (formerly Invitae), Labcorp
Classification: Uncertain significance. Last evaluated: 2022-03-23. Review status: criteria provided, single submitter. Criteria: Invitae Variant Classification Sherloc (09022015). Collection method: clinical testing. Allele origin: germline.
Comment: In summary, the available evidence is currently insufficient to determine the role of this variant in disease. Therefore, it has been classified as a Variant of Uncertain Significance. Algorithms developed to predict the effect of missense changes on protein structure and function (SIFT, PolyPhen-2, Align-GVGD) all suggest that this variant is likely to be disruptive. ClinVar contains an entry for this variant (Variation ID: 860850). This variant has not been reported in the literature in individuals affected with PDE6B-related conditions. This variant is not present in population databases (gnomAD no frequency). This sequence change replaces phenylalanine, which is neutral and non-polar, with serine, which is neutral and polar, at codon 95 of the PDE6B protein (p.Phe95Ser).